The following is an entry in ClinVar:

ClinVar aggregate classification (germline): Uncertain significance (1 of 4 stars; one submission).

gnomAD v4.1: 1 of 1,588,044 alleles (0.000063%); highest among the groups gnomAD compares: South Asian, 0.0011%; no homozygotes.

Submission:

GeneDx
Classification: Uncertain significance. Last evaluated: 2026-02-27. Review status: criteria provided, single submitter. Criteria: GeneDx Variant Classification Process June 2021. Collection method: clinical testing. Allele origin: germline.
Comment: Not observed at significant frequency in large population cohorts (gnomAD); In silico analysis suggests that this missense variant does not alter protein structure/function; Has not been previously published as pathogenic or benign to our knowledge

NM_015057.5(MYCBP2):c.179C>G (p.Ser60Cys)

Genes: MYCBP2 (MYC binding protein 2; minus strand), LOC130009920 (ATAC-STARR-seq lymphoblastoid silent region 5418; plus strand). Cytogenetic location: 13q22.3.
Variant type: single nucleotide variant.
Coding change: c.179C>G on transcript NM_015057.5 (MANE Select); coding-DNA position 179, C replaced by G.
Protein change: p.Ser60Cys; replaces serine 60 with cysteine.
Molecular consequence: missense variant.
Genome position (GRCh38, 1-based): chr13:77,326,597, G>C on the plus strand (C>G on the coding strand, the complement: MYCBP2 is on the minus strand). VCF-style: chr13-77326597-G-C. GRCh37 (hg19) VCF-style: chr13-77900732-G-C.
Other names: short protein forms S60C.
Identifiers: ClinVar variation 5007976 (VCV005007976.1).